The following is an entry in ClinVar:

ClinVar aggregate classification (germline): Uncertain significance. Review status: criteria provided, multiple submitters, no conflicts (2 of 4 stars). 2 submissions from 2 submitters: Uncertain significance (2). Last evaluated 2024-12-15.

Conditions:
Peroxisome biogenesis disorder, complementation group K (CGK). Identifiers: MedGen C1866257, MONDO:0800365.
Inborn genetic diseases. Identifiers: MedGen C0950123, MeSH D030342.

Allele frequency attached by ClinVar (database versions not stated): gnomAD exomes below 0.00001 and 0.00002; gnomAD 0.00002 and 0.00004; TOPMed 0.00004.
gnomAD v4.1: 9 of 1,612,266 alleles (0.00056%); highest among the groups gnomAD compares: African/African-American, 0.0067%; no homozygotes.

Submissions (2):

Labcorp Genetics (formerly Invitae), Labcorp
Classification: Uncertain significance for Peroxisome biogenesis disorder, complementation group K. Last evaluated: 2024-12-15. Review status: criteria provided, single submitter. Criteria: Invitae Variant Classification Sherloc (09022015). Collection method: clinical testing. Allele origin: germline.
Comment: This sequence change replaces asparagine, which is neutral and polar, with aspartic acid, which is acidic and polar, at codon 38 of the PEX14 protein (p.Asn38Asp). This variant is present in population databases (no rsID available, gnomAD 0.009%). This variant has not been reported in the literature in individuals affected with PEX14-related conditions. ClinVar contains an entry for this variant (Variation ID: 1467307). Invitae Evidence Modeling of protein sequence and biophysical properties (such as structural, functional, and spatial information, amino acid conservation, physicochemical variation, residue mobility, and thermodynamic stability) indicates that this missense variant is expected to disrupt PEX14 protein function with a positive predictive value of 80%. In summary, the available evidence is currently insufficient to determine the role of this variant in disease. Therefore, it has been classified as a Variant of Uncertain Significance.

Ambry Genetics
Classification: Uncertain significance for Inborn genetic diseases. Last evaluated: 2024-07-27. Review status: criteria provided, single submitter. Criteria: Ambry Variant Classification Scheme 2023. Collection method: clinical testing. Allele origin: germline.

NM_004565.3(PEX14):c.112A>G (p.Asn38Asp)

Gene: PEX14 (peroxisomal biogenesis factor 14; plus strand). Cytogenetic location: 1p36.22.
Variant type: single nucleotide variant.
Coding change: c.112A>G on transcript NM_004565.3 (MANE Select); coding-DNA position 112, A replaced by G.
Protein change: p.Asn38Asp; replaces asparagine 38 with aspartic acid.
Molecular consequence: missense variant.
Genome position (GRCh38, 1-based): chr1:10,536,240, A>G. VCF-style: chr1-10536240-A-G. GRCh37 (hg19) VCF-style: chr1-10596297-A-G.
Other names: c.112A>G (NM_004565.2); short protein forms N38D.
Identifiers: ClinVar variation 1467307 (VCV001467307.7), dbSNP rs940853094, ClinGen allele CA18321421.